The following is an entry in ClinVar:

NM_021939.4(FKBP10):c.508A>G (p.Met170Val)

Gene: FKBP10 (FKBP prolyl isomerase 10; plus strand). Cytogenetic location: 17q21.2.
Variant type: single nucleotide variant.
Coding change: c.508A>G on transcript NM_021939.4 (MANE Select); coding-DNA position 508, A replaced by G.
Protein change: p.Met170Val; replaces methionine 170 with valine.
Molecular consequence: missense variant.
Genome position (GRCh38, 1-based): chr17:41,818,205, A>G. VCF-style: chr17-41818205-A-G. GRCh37 (hg19) VCF-style: chr17-39974457-A-G.
Other names: short protein forms M170V.
Identifiers: ClinVar variation 2393424 (VCV002393424.4), dbSNP rs370563394, ClinGen allele CA290697024.
Genomic context (GRCh38, chr17:41,818,205, plus strand): 5'-TGGAACAAGGAAGACACCGTGCAGGTGAGCACATTGCTGCGCCCGCCCCACTGCCCCCGC[A>G]TGGTCCAGGACGGCGACTTTGTCCGCTACCACTACAATGGCACCCTGCTGGACGGCACCT-3'
Protein context (NP_068758.3, residues 160-180): TLLRPPHCPR[Met170Val]VQDGDFVRYH

ClinVar aggregate classification (germline): Uncertain significance. Review status: criteria provided, multiple submitters, no conflicts (2 of 4 stars). 2 submissions from 2 submitters: Uncertain significance (2). Last evaluated 2024-11-11.

Conditions:
Inborn genetic diseases. Identifiers: MedGen C0950123, MeSH D030342.

Allele frequency attached by ClinVar (database versions not stated): gnomAD exomes 0.00001; gnomAD 0.00005; TOPMed 0.00005; ESP Exome Variant Server 0.00008.

Submissions (2):

Labcorp Genetics (formerly Invitae), Labcorp
Classification: Uncertain significance. Last evaluated: 2024-11-11. Review status: criteria provided, single submitter. Criteria: Invitae Variant Classification Sherloc (09022015). Collection method: clinical testing. Allele origin: germline.
Comment: This sequence change replaces methionine, which is neutral and non-polar, with valine, which is neutral and non-polar, at codon 170 of the FKBP10 protein (p.Met170Val). This variant is present in population databases (rs370563394, gnomAD 0.01%). This variant has not been reported in the literature in individuals affected with FKBP10-related conditions. ClinVar contains an entry for this variant (Variation ID: 2393424). Invitae Evidence Modeling of protein sequence and biophysical properties (such as structural, functional, and spatial information, amino acid conservation, physicochemical variation, residue mobility, and thermodynamic stability) indicates that this missense variant is not expected to disrupt FKBP10 protein function with a negative predictive value of 80%. In summary, the available evidence is currently insufficient to determine the role of this variant in disease. Therefore, it has been classified as a Variant of Uncertain Significance.

Ambry Genetics
Classification: Uncertain significance for Inborn genetic diseases. Last evaluated: 2022-08-12. Review status: criteria provided, single submitter. Criteria: Ambry Variant Classification Scheme 2023. Collection method: clinical testing. Allele origin: germline.